The following is an entry in ClinVar:

ClinVar aggregate classification (germline): Likely pathogenic (1 of 4 stars; one submission).

Conditions:
Junctional epidermolysis bullosa, non-Herlitz type. Also called: COL17A1-Related Junctional Epidermolysis Bullosa; Adult junctional epidermolysis bullosa; Epidermolysis bullosa, junctional, non-herlitz type, somatic mosaic revertant; EPIDERMOLYSIS BULLOSA, JUNCTIONAL 1A, INTERMEDIATE; EPIDERMOLYSIS BULLOSA JUNCTIONALIS, DISENTIS TYPE; EPIDERMOLYSIS BULLOSA JUNCTIONALIS, NON-HERLITZ TYPE. Identifiers: Orphanet 251393, Orphanet 79402, Orphanet 79405, Orphanet 89840, MedGen C0268374, MONDO:0009180, OMIM 226650.

Submission:

Neuberg Centre For Genomic Medicine, NCGM
Classification: Likely pathogenic for Junctional epidermolysis bullosa, non-Herlitz type. Review status: criteria provided, single submitter. Criteria: ACMG Guidelines, 2015. Collection method: clinical testing. Allele origin: germline. Inheritance: Autosomal recessive inheritance. Affected: yes.
Comment: The splice acceptor variant c.464-2A>G in COL17A1 (NM_000494.4) has not been reported previously as a pathogenic variant nor as a benign variant, to our knowledge. The c.464-2A>G variant is novel (not in any individuals) in gnomAD Exomes and is novel (not in any individuals) in 1000 Genomes. This variant mutates a splice-acceptor sequence, potentially resulting in exon skipping and the production of abnormal proteins. This variant is a loss of function variant in the gene COL17A1. For these reasons, this variant has been classified as Likely Pathogenic.

NM_000494.4(COL17A1):c.464-2A>G

Gene: COL17A1 (collagen type XVII alpha 1 chain; minus strand). Cytogenetic location: 10q25.1.
Variant type: single nucleotide variant.
Coding change: c.464-2A>G on transcript NM_000494.4 (MANE Select); the canonical splice acceptor site of the intron before coding-DNA position 464, A replaced by G.
Molecular consequence: splice acceptor variant.
Genome position (GRCh38, 1-based): chr10:104,070,571, T>C on the plus strand (A>G on the coding strand, the complement: COL17A1 is on the minus strand). VCF-style: chr10-104070571-T-C. GRCh37 (hg19) VCF-style: chr10-105830329-T-C.
Identifiers: ClinVar variation 2627501 (VCV002627501.1), dbSNP rs2493375635, ClinGen allele CA378079219.